The following is an entry in ClinVar:

NM_015978.3(TNNI3K):c.445-10T>C

Genes: FPGT-TNNI3K (FPGT-TNNI3K readthrough; plus strand), TNNI3K (TNNI3 interacting kinase; plus strand). Cytogenetic location: 1p31.1.
Variant type: single nucleotide variant.
Coding change: c.445-10T>C on transcript NM_015978.3 (MANE Select); 10 bases into the intron before coding-DNA position 445, T replaced by C.
Molecular consequence: intron variant.
Genome position (GRCh38, 1-based): chr1:74,331,440, T>C. VCF-style: chr1-74331440-T-C. GRCh37 (hg19) VCF-style: chr1-74797124-T-C.
Other names: c.748-10T>C (NM_001112808.3, NM_001199327.2).
Identifiers: ClinVar variation 1577290 (VCV001577290.11), dbSNP rs200706407, ClinGen allele CA908908.
Genomic context (GRCh38, chr1:74,331,440, plus strand): 5'-GTTGTAAACTGAATCTTAATAGGCAGATAACTCAACTGAAGTTCTTAACCATAATCATTT[T>C]CTTGTCCAGGCTGCTGATGTGCTGTTGCAACATGGAGCTAATGTCAATATTCAAGATGCA-3'

ClinVar aggregate classification (germline): Benign/Likely benign. Review status: criteria provided, multiple submitters, no conflicts (2 of 4 stars). 3 submissions from 3 submitters: Benign (1); Likely benign (1). 1 of the submissions does not count toward it. Last evaluated 2025-08-10.

Conditions:
TNNI3K-related disorder. Also called: TNNI3K-related condition.

Allele frequency attached by ClinVar (database versions not stated): TOPMed 0.00001; gnomAD 0.00008; gnomAD exomes 0.00019 and 0.00041; ExAC 0.00046; 1000 Genomes Project 0.00060; 1000 Genomes Project 30x 0.00078.
gnomAD v4.1: 276 of 1,611,614 alleles (0.017%); highest among the groups gnomAD compares: South Asian, 0.3%; 4 homozygotes.

Submissions (3):

Labcorp Genetics (formerly Invitae), Labcorp
Classification: Benign. Last evaluated: 2025-08-10. Review status: criteria provided, single submitter. Criteria: Invitae Variant Classification Sherloc (09022015). Collection method: clinical testing. Allele origin: germline.

Blueprint Genetics
Classification: Likely benign. Last evaluated: 2024-10-22. Review status: criteria provided, single submitter. Criteria: ACMG Guidelines, 2015. Collection method: clinical testing. Allele origin: germline.

PreventionGenetics, part of Exact Sciences
Classification: Likely benign for TNNI3K-related condition. Last evaluated: 2020-01-02. Review status: no assertion criteria provided. Collection method: clinical testing. Allele origin: germline. Not counted in ClinVar's aggregate classification.
Comment: This variant is classified as likely benign based on ACMG/AMP sequence variant interpretation guidelines (Richards et al. 2015 PMID: 25741868, with internal and published modifications).